The following is an entry in ClinVar:

ClinVar aggregate classification (germline): Likely benign (0 of 4 stars; one submission).

Conditions:
ACAT1-related disorder. Also called: ACAT1-related condition.

Submission:

PreventionGenetics, part of Exact Sciences
Classification: Likely benign for ACAT1-related condition. Last evaluated: 2023-03-06. Review status: no assertion criteria provided. Collection method: clinical testing. Allele origin: germline.
Comment: This variant is classified as likely benign based on ACMG/AMP sequence variant interpretation guidelines (Richards et al. 2015 PMID: 25741868, with internal and published modifications).

NM_000019.4(ACAT1):c.276T>C (p.Gly92=)

Gene: ACAT1 (acetyl-CoA acetyltransferase 1; plus strand). Cytogenetic location: 11q22.3.
Variant type: single nucleotide variant.
Coding change: c.276T>C on transcript NM_000019.4 (MANE Select); coding-DNA position 276, T replaced by C.
Protein change: p.Gly92=; no amino-acid change (glycine 92 retained).
Molecular consequence: synonymous variant. On other transcripts: 5 prime UTR variant (1), non-coding transcript variant (2), intron variant (1).
Genome position (GRCh38, 1-based): chr11:108,134,258, T>C. VCF-style: chr11-108134258-T-C. GRCh37 (hg19) VCF-style: chr11-108004985-T-C.
Other names: c.276T>C, p.Gly92= (NM_001386677.1); c.-2T>C (NM_001386679.1); c.6T>C, p.Gly2= (NM_001386681.1, NM_001386682.1, NM_001386685.1 and 6 more transcripts); c.120+2304T>C (NM_001386678.1).
Identifiers: ClinVar variation 3050657 (VCV003050657.2), dbSNP rs2496584823, ClinGen allele CA476671818.